The following is an entry in ClinVar:

NM_024818.6(UBA5):c.955G>A (p.Val319Ile)

Genes: NPHP3-ACAD11 (NPHP3-ACAD11 readthrough (NMD candidate); minus strand), UBA5 (ubiquitin like modifier activating enzyme 5; plus strand). Cytogenetic location: 3q22.1.
Variant type: single nucleotide variant.
Coding change: c.955G>A on transcript NM_024818.6 (MANE Select); coding-DNA position 955, G replaced by A.
Protein change: p.Val319Ile; replaces valine 319 with isoleucine.
Molecular consequence: missense variant.
Genome position (GRCh38, 1-based): chr3:132,675,611, G>A. VCF-style: chr3-132675611-G-A. GRCh37 (hg19) VCF-style: chr3-132394455-G-A.
Other names: c.787G>A, p.Val263Ile (NM_001320210.2, NM_198329.4); c.685G>A, p.Val229Ile (NM_001321238.2); c.619G>A, p.Val207Ile (NM_001321239.1); short protein forms V263I, V319I, V229I, V207I.
Identifiers: ClinVar variation 1480611 (VCV001480611.8), dbSNP rs1285409679, ClinGen allele CA354576599.

ClinVar aggregate classification (germline): Uncertain significance (1 of 4 stars; one submission).

Allele frequency attached by ClinVar (database versions not stated): gnomAD exomes below 0.00001.
gnomAD v4.1: 5 of 1,611,130 alleles (0.00031%); highest among the groups gnomAD compares: Non-Finnish European, 0.00034%; no homozygotes.

Submission:

Labcorp Genetics (formerly Invitae), Labcorp
Classification: Uncertain significance. Last evaluated: 2021-06-22. Review status: criteria provided, single submitter. Criteria: Invitae Variant Classification Sherloc (09022015). Collection method: clinical testing. Allele origin: germline.
Comment: In summary, the available evidence is currently insufficient to determine the role of this variant in disease. Therefore, it has been classified as a Variant of Uncertain Significance. This sequence change replaces valine with isoleucine at codon 319 of the UBA5 protein (p.Val319Ile). The valine residue is weakly conserved and there is a small physicochemical difference between valine and isoleucine. This variant is not present in population databases (ExAC no frequency). This variant has not been reported in the literature in individuals with UBA5-related conditions. Algorithms developed to predict the effect of missense changes on protein structure and function output the following: SIFT: "Not Available"; PolyPhen-2: "Benign"; Align-GVGD: "Not Available". The isoleucine amino acid residue is found in multiple mammalian species, suggesting that this missense change does not adversely affect protein function. These predictions have not been confirmed by published functional studies and their clinical significance is uncertain.